The following is an entry in ClinVar:

NM_003000.3(SDHB):c.650G>A (p.Arg217His)

Gene: SDHB (succinate dehydrogenase complex iron sulfur subunit B; minus strand). Cytogenetic location: 1p36.13.
Variant type: single nucleotide variant.
Coding change: c.650G>A on transcript NM_003000.3 (MANE Select); coding-DNA position 650, G replaced by A.
Protein change: p.Arg217His; replaces arginine 217 with histidine.
Molecular consequence: missense variant.
Genome position (GRCh38, 1-based): chr1:17,022,723, C>T on the plus strand (G>A on the coding strand, the complement: SDHB is on the minus strand). VCF-style: chr1-17022723-C-T. GRCh37 (hg19) VCF-style: chr1-17349218-C-T.
Other names: short protein forms R217H.
Identifiers: ClinVar variation 412491 (VCV000412491.63), dbSNP rs747518441, ClinGen allele CA089703.

ClinVar aggregate classification (germline): Conflicting classifications of pathogenicity. Review status: criteria provided, conflicting classifications (1 of 4 stars). 11 submissions from 11 submitters: Likely pathogenic (6); Uncertain significance (5). Last evaluated 2026-02-26.

Conditions:
Pheochromocytoma. Also called: MAX-Related Hereditary Paraganglioma-Pheochromocytoma Syndrome. Identifiers: Orphanet 29072, MedGen C0031511, MONDO:0008233, OMIM 171300, HP:0002666.
Pheochromocytoma/paraganglioma syndrome 4. Also called: CAROTID BODY TUMORS AND MULTIPLE EXTRAADRENAL PHEOCHROMOCYTOMAS; PARAGANGLIOMA, FAMILIAL MALIGNANT; PARAGANGLIOMAS, HEREDITARY EXTRAADRENAL; PHEOCHROMOCYTOMA, FAMILIAL EXTRAADRENAL; SDHB-Related Hereditary Paraganglioma-Pheochromocytoma Syndrome (Paragangliomas 4); SDHB-Related Hereditary Paraganglioma-Pheochromocytoma Syndrome. Identifiers: Orphanet 29072, MedGen C1861848, MONDO:0007273, OMIM 115310.
Gastrointestinal stromal tumor. Also called: Gastrointestinal stromal tumor, somatic; Gastrointestinal stroma tumor. Identifiers: Orphanet 44890, MedGen C0238198, MeSH D046152, MONDO:0011719, OMIM 606764, HP:0100723.
Hereditary cancer-predisposing syndrome. Also called: Hereditary neoplastic syndrome; Neoplastic Syndromes, Hereditary; Hereditary Cancer Syndrome; Tumor predisposition. Identifiers: Orphanet 140162, MedGen C0027672, MeSH D009386, MONDO:0015356.
Hereditary pheochromocytoma and paraganglioma. Also called: Hereditary pheochromocytoma-paraganglioma; Hereditary Paraganglioma-Pheochromocytoma Syndromes; Hereditary paragangliomas and pheochromocytomas. Identifiers: Orphanet 29072, MedGen C4274332, MONDO:0017366.

Allele frequency attached by ClinVar (database versions not stated): ExAC 0.00001; gnomAD 0.00001 and 0.00003; TOPMed 0.00002.
gnomAD v4.1: 16 of 1,613,386 alleles (0.00099%); highest among the groups gnomAD compares: East Asian, 0.0022%; no homozygotes.

Submissions (11):

Myriad Genetics, Inc.
Classification: Likely pathogenic for Pheochromocytoma/paraganglioma syndrome 4. Last evaluated: 2026-02-26. Review status: criteria provided, single submitter. Criteria: Myriad Autosomal Dominant, Autosomal Recessive and X-Linked Classification Criteria (2023). Collection method: clinical testing. Allele origin: unknown.
Comment: This variant is considered likely pathogenic. This variant has been reported in multiple individuals with clinical features of gene-specific disease [PMID: 31492822, external communications 2026]. Functional studies indicate this variant impacts protein function [PMID: 41252211].

Labcorp Genetics (formerly Invitae), Labcorp
Classification: Likely pathogenic for Gastrointestinal stromal tumor; Pheochromocytoma/paraganglioma syndrome 4; Pheochromocytoma. Last evaluated: 2025-12-20. Review status: criteria provided, single submitter. Criteria: Invitae Variant Classification Sherloc (09022015). Collection method: clinical testing. Allele origin: germline.
Comment: This sequence change replaces arginine, which is basic and polar, with histidine, which is basic and polar, at codon 217 of the SDHB protein (p.Arg217His). This variant is present in population databases (rs747518441, gnomAD 0.002%). This missense change has been observed in individual(s) with paraganglioma (PMID: 31492822). ClinVar contains an entry for this variant (Variation ID: 412491). Invitae Evidence Modeling of protein sequence and biophysical properties (such as structural, functional, and spatial information, amino acid conservation, physicochemical variation, residue mobility, and thermodynamic stability) indicates that this missense variant is expected to disrupt SDHB protein function with a positive predictive value of 80%. This variant disrupts the p.Arg217 amino acid residue in SDHB. Other variant(s) that disrupt this residue have been determined to be pathogenic (PMID: 18753105, 19351833, 19454582, 19802898, 23735539, 24659481, 25047027, 26960314). This suggests that this residue is clinically significant, and that variants that disrupt this residue are likely to be disease-causing. In summary, the currently available evidence indicates that the variant is pathogenic, but additional data are needed to prove that conclusively. Therefore, this variant has been classified as Likely Pathogenic.

Quest Diagnostics Nichols Institute San Juan Capistrano
Classification: Uncertain significance. Last evaluated: 2025-10-07. Review status: criteria provided, single submitter. Criteria: Quest Diagnostics criteria. Collection method: clinical testing. Allele origin: unknown.

Color Diagnostics, LLC DBA Color Health
Classification: Uncertain significance for Hereditary pheochromocytoma and paraganglioma. Last evaluated: 2025-09-11. Review status: criteria provided, single submitter. Criteria: ACMG Guidelines, 2015. Collection method: clinical testing. Allele origin: germline.
Comment: This missense variant replaces arginine with histidine at codon 217 of the SDHB protein. Computational prediction suggests that this variant may have deleterious impact on protein structure and function. To our knowledge, functional studies have not been reported for this variant. This variant has been reported in an individual affected with paraganglioma in the literature (PMID: 31492822). Other variants at amino acid position p.Arg217 of SDHB have been classified as pathogenic in ClinVar (Variation IDs: VCV000967921, VCV000419507, VCV000183735) suggesting that variants at this position are disease causing. This variant has been identified in 2/250910 chromosomes in the general population by the Genome Aggregation Database (gnomAD). The available evidence is insufficient to determine the role of this variant in disease conclusively. Therefore, this variant is classified as a Variant of Uncertain Significance.

Ambry Genetics
Classification: Likely pathogenic for Hereditary cancer-predisposing syndrome. Last evaluated: 2025-08-28. Review status: criteria provided, single submitter. Criteria: Ambry Variant Classification Scheme 2023. Collection method: clinical testing. Allele origin: germline.
Comment: The p.R217H variant (also known as c.650G>A), located in coding exon 7 of the SDHB gene, results from a G to A substitution at nucleotide position 650. The arginine at codon 217 is replaced by histidine, an amino acid with highly similar properties. This alteration has been observed in individuals with paraganglioma or pheochromocytoma (Bayley JP et al. J Med Genet, 2020 02;57:96-103; Ambry internal data). Based on our internal structural analysis, the variant is predicted to disrupt the protein-protein interaction (Inaoka DK et al. Int J Mol Sci, 2015 Jul;16:15287-308). This variant is considered to be rare based on population cohorts in the Genome Aggregation Database (gnomAD). This amino acid position is highly conserved in available vertebrate species. In addition, this alteration is predicted to be deleterious by in silico analysis. Based on the majority of available evidence to date, this variant is likely to be pathogenic.

Variantyx, Inc.
Classification: Likely pathogenic for Pheochromocytoma/paraganglioma syndrome 4. Last evaluated: 2025-04-30. Review status: criteria provided, single submitter. Criteria: Variantyx Assertion Criteria 2022. Collection method: clinical testing. Allele origin: germline. Inheritance: Autosomal dominant inheritance.
Comment: This is a nonsynonymous variant in the SDHB gene (OMIM: 185470). Pathogenic variants in this gene have been associated with autosomal dominant pheochromocytoma/paraganglioma syndrome 4. This variant has been reported in at least 1 affected individual(s) (PMID: 31492822 ) (PS4). Itt lies within a known hotspot for pathogenic variants or a well-established critical functional domain of the SDHB protein (PM1). Multiple computational algorithms predict a deleterious effect for this variant (REVEL score: 0.957) (PP3). This variant has a 0.0022% maximum allele frequency in non-founder control populations (PM2). Based on the current evidence, this variant is classified as likely pathogenic for autosomal dominant pheochromocytoma/paraganglioma syndrome 4.

All of Us Research Program, National Institutes of Health
Classification: Uncertain significance for Hereditary pheochromocytoma and paraganglioma. Last evaluated: 2024-07-20. Review status: criteria provided, single submitter. Criteria: ACMG Guidelines, 2015. Collection method: clinical testing. Allele origin: germline. Inheritance: Autosomal dominant inheritance. Observed: 5 variant alleles, 5 heterozygotes.
Comment: This missense variant replaces arginine with histidine at codon 217 of the SDHB protein. Computational prediction suggests that this variant may have deleterious impact on protein structure and function (internally defined REVEL score threshold >= 0.7, PMID: 27666373). To our knowledge, functional studies have not been reported for this variant. This variant has been reported in an individual affected with paraganglioma in the literature (PMID: 31492822). Other variants at amino acid position p.Arg217 of SDHB have been classified as pathogenic in ClinVar (Variation IDs: VCV000967921, VCV000419507, VCV000183735) suggesting that variants at this position are disease causing. This variant has been identified in 2/250910 chromosomes in the general population by the Genome Aggregation Database (gnomAD). The available evidence is insufficient to determine the role of this variant in disease conclusively. Therefore, this variant is classified as a Variant of Uncertain Significance.

This study involves interpretation of variants in research participants for the purpose of population health screening. Participant phenotype was not available at the time of variant classification. Additional details can be found in publication PMID: 35346344, PMCID: PMC8962531

Baylor Genetics
Classification: Likely pathogenic for Gastrointestinal stromal tumor. Last evaluated: 2024-01-25. Review status: criteria provided, single submitter. Criteria: ACMG Guidelines, 2015. Collection method: clinical testing. Allele origin: unknown.

GeneDx
Classification: Uncertain significance. Last evaluated: 2023-05-19. Review status: criteria provided, single submitter. Criteria: GeneDx Variant Classification Process June 2021. Collection method: clinical testing. Allele origin: germline. Affected: yes.
Comment: Observed in an individual with a paraganglioma (Bayley et al., 2020); Not observed at significant frequency in large population cohorts (gnomAD); In silico analysis supports that this missense variant has a deleterious effect on protein structure/function; Also known as R189H; This variant is associated with the following publications: (PMID: 17487275, 27882345, 31492822)

Blueprint Genetics
Classification: Uncertain significance. Last evaluated: 2023-03-09. Review status: criteria provided, single submitter. Criteria: ACMG Guidelines, 2015. Collection method: clinical testing. Allele origin: germline.

Mendelics
Classification: Likely pathogenic for Paragangliomas 4. Last evaluated: 2020-08-20. Review status: criteria provided, single submitter. Criteria: Mendelics Assertion Criteria 2017. Collection method: clinical testing. Allele origin: unknown.

Literature cited by the submitters: PubMed 31492822 (cited by 6 submitters); PubMed 41252211 (cited by Myriad Genetics, Inc.); PubMed 18753105 (cited by Labcorp Genetics (formerly Invitae), Labcorp); PubMed 19351833 (cited by Labcorp Genetics (formerly Invitae), Labcorp); PubMed 19454582 (cited by Labcorp Genetics (formerly Invitae), Labcorp); PubMed 19802898 (cited by Labcorp Genetics (formerly Invitae), Labcorp); PubMed 23735539 (cited by Labcorp Genetics (formerly Invitae), Labcorp); PubMed 24659481 (cited by Labcorp Genetics (formerly Invitae), Labcorp); PubMed 25047027 (cited by Labcorp Genetics (formerly Invitae), Labcorp); PubMed 26960314 (cited by Labcorp Genetics (formerly Invitae), Labcorp); PubMed 26198225 (cited by Ambry Genetics).